The following is an entry in ClinVar:

ClinVar aggregate classification (germline): Likely benign (1 of 4 stars; one submission).

Submission:

CeGaT Center for Human Genetics Tuebingen
Classification: Likely benign. Last evaluated: 2023-03-01. Review status: criteria provided, single submitter. Criteria: CeGaT Center For Human Genetics Tuebingen Variant Classification Criteria Version 2. Collection method: clinical testing. Allele origin: germline. Affected: yes. Observed: 1 variant allele.
Comment: MEGF8: PM2:Supporting, BP4, BP7

NM_001271938.2(MEGF8):c.2572T>C (p.Leu858=)

Gene: MEGF8 (multiple EGF like domains 8; plus strand). Cytogenetic location: 19q13.2.
Variant type: single nucleotide variant.
Coding change: c.2572T>C on transcript NM_001271938.2 (MANE Select); coding-DNA position 2572, T replaced by C.
Protein change: p.Leu858=; no amino-acid change (leucine 858 retained).
Molecular consequence: synonymous variant.
Genome position (GRCh38, 1-based): chr19:42,350,220, T>C. VCF-style: chr19-42350220-T-C. GRCh37 (hg19) VCF-style: chr19-42854372-T-C.
Other names: c.2371T>C, p.Leu791= (NM_001410.3).
Identifiers: ClinVar variation 2650030 (VCV002650030.24), dbSNP rs2514289364, ClinGen allele CA507707322.